The following is an entry in ClinVar:

ClinVar aggregate classification (germline): Uncertain significance. Review status: criteria provided, multiple submitters, no conflicts (2 of 4 stars). 2 submissions from 2 submitters: Uncertain significance (2). Last evaluated 2024-12-30.

Conditions:
Inborn genetic diseases. Identifiers: MedGen C0950123, MeSH D030342.

Allele frequency attached by ClinVar (database versions not stated): TOPMed below 0.00001; gnomAD 0.00001.

Submissions (2):

Ambry Genetics
Classification: Uncertain significance for Inborn genetic diseases. Last evaluated: 2024-12-30. Review status: criteria provided, single submitter. Criteria: Ambry Variant Classification Scheme 2023. Collection method: clinical testing. Allele origin: germline.

GeneDx
Classification: Uncertain significance. Last evaluated: 2024-07-26. Review status: criteria provided, single submitter. Criteria: GeneDx Variant Classification Process June 2021. Collection method: clinical testing. Allele origin: germline.
Comment: Not observed at significant frequency in large population cohorts (gnomAD); In silico analysis supports that this missense variant has a deleterious effect on protein structure/function; Has not been previously published as pathogenic or benign to our knowledge

NM_001170535.3(ATAD3A):c.958C>T (p.Leu320Phe)

Gene: ATAD3A (ATPase family AAA domain containing 3A; plus strand). Cytogenetic location: 1p36.33.
Variant type: single nucleotide variant.
Coding change: c.958C>T on transcript NM_001170535.3 (MANE Select); coding-DNA position 958, C replaced by T.
Protein change: p.Leu320Phe; replaces leucine 320 with phenylalanine.
Molecular consequence: missense variant.
Genome position (GRCh38, 1-based): chr1:1,523,562, C>T. VCF-style: chr1-1523562-C-T. GRCh37 (hg19) VCF-style: chr1-1458942-C-T.
Other names: c.721C>T, p.Leu241Phe (NM_001170536.3); c.1102C>T, p.Leu368Phe (NM_018188.5); c.1102C>T (NM_018188.3); short protein forms L241F, L320F, L368F.
Identifiers: ClinVar variation 2662660 (VCV002662660.3), dbSNP rs1161297480, ClinGen allele CA337856824.